The following is an entry in ClinVar:

ClinVar aggregate classification (germline): Uncertain significance (1 of 4 stars; one submission).

Submission:

GeneDx
Classification: Uncertain significance. Last evaluated: 2024-12-16. Review status: criteria provided, single submitter. Criteria: GeneDx Variant Classification Process June 2021. Collection method: clinical testing. Allele origin: germline. Affected: yes.
Comment: Not observed at significant frequency in large population cohorts (gnomAD); In silico analysis supports that this missense variant has a deleterious effect on protein structure/function; Has not been previously published as pathogenic or benign to our knowledge

NM_017588.3(WDR5):c.363T>G (p.Cys121Trp)

Gene: WDR5 (WD repeat domain 5; plus strand). Cytogenetic location: 9q34.2.
Variant type: single nucleotide variant.
Coding change: c.363T>G on transcript NM_017588.3 (MANE Select); coding-DNA position 363, T replaced by G.
Protein change: p.Cys121Trp; replaces cysteine 121 with tryptophan.
Molecular consequence: missense variant.
Genome position (GRCh38, 1-based): chr9:134,142,341, T>G. VCF-style: chr9-134142341-T-G. GRCh37 (hg19) VCF-style: chr9-137007463-T-G.
Other names: c.363T>G, p.Cys121Trp (NM_001384409.1, NM_001384410.1, NM_001384411.1 and 6 more transcripts); c.354T>G, p.Cys118Trp (NM_001384417.1); c.234T>G, p.Cys78Trp (NM_001384418.1, NM_001384419.1); short protein forms C118W, C121W, C78W.
Identifiers: ClinVar variation 3906750 (VCV003906750.1).